The following is an entry in ClinVar:

NM_007363.5(NONO):c.498A>G (p.Glu166=)

Gene: NONO (non-POU domain containing octamer binding; plus strand). Cytogenetic location: Xq13.1.
Variant type: single nucleotide variant.
Coding change: c.498A>G on transcript NM_007363.5 (MANE Select); coding-DNA position 498, A replaced by G.
Protein change: p.Glu166=; no amino-acid change (glutamic acid 166 retained).
Molecular consequence: synonymous variant.
Genome position (GRCh38, 1-based): chrX:71,294,376, A>G. VCF-style: chrX-71294376-A-G. GRCh37 (hg19) VCF-style: chrX-70514226-A-G.
Other names: c.498A>G, p.Glu166= (NM_001145408.2, NM_001145409.2); c.231A>G, p.Glu77= (NM_001145410.2).
Identifiers: ClinVar variation 4873448 (VCV004873448.2).

ClinVar aggregate classification (germline): Likely benign (1 of 4 stars; one submission).

Submission:

CeGaT Center for Human Genetics Tuebingen
Classification: Likely benign. Last evaluated: 2026-05-01. Review status: criteria provided, single submitter. Criteria: CeGaT Center For Human Genetics Tuebingen Variant Classification Criteria Version 2. Collection method: clinical testing. Allele origin: germline. Affected: yes. Observed: 1 variant allele.
Comment: NONO: PM2:Supporting, BP4, BP7